The following is an entry in ClinVar:

ClinVar aggregate classification (germline): Pathogenic (1 of 4 stars; one submission).

Conditions:
DNA ligase IV deficiency. Identifiers: Orphanet 99812, MedGen C1847827, MONDO:0011686, OMIM 606593.

Submission:

Labcorp Genetics (formerly Invitae), Labcorp
Classification: Pathogenic for DNA ligase IV deficiency. Last evaluated: 2023-05-09. Review status: criteria provided, single submitter. Criteria: Invitae Variant Classification Sherloc (09022015). Collection method: clinical testing. Allele origin: germline.
Comment: For these reasons, this variant has been classified as Pathogenic. This variant disrupts a region of the LIG4 protein in which other variant(s) (p.Lys635Argfs*10) have been determined to be pathogenic (PMID: 24027040, 28866308, 29146883). This suggests that this is a clinically significant region of the protein, and that variants that disrupt it are likely to be disease-causing. This variant has not been reported in the literature in individuals affected with LIG4-related conditions. This variant is not present in population databases (gnomAD no frequency). This sequence change creates a premature translational stop signal (p.Arg628Alafs*15) in the LIG4 gene. While this is not anticipated to result in nonsense mediated decay, it is expected to disrupt the last 284 amino acid(s) of the LIG4 protein.

Literature cited by the submitters: PubMed 24027040; PubMed 28866308; PubMed 29146883.

NM_206937.2(LIG4):c.1880dup (p.Arg628fs)

Gene: LIG4 (DNA ligase 4; minus strand). Cytogenetic location: 13q33.3.
Variant type: Duplication.
Coding change: c.1880dup on transcript NM_206937.2 (MANE Select); coding-DNA position 1880, one base duplicated (A; older notation c.1880dupA).
Protein change: p.Arg628fs; shifts the reading frame from arginine 628.
Molecular consequence: frameshift variant.
Genome position (GRCh38, 1-based): chr13:108,209,389, T duplicated on the plus strand (A on the coding strand, the reverse complement: LIG4 is on the minus strand); the first of 7 consecutive T bases (chr13:108,209,389-108,209,395); duplicating any one gives the same sequence. VCF-style (leftmost placement, unchanged base first): chr13-108209388-C-CT. GRCh37 (hg19) VCF-style: chr13-108861736-C-CT.
Other names: c.1880dup, p.Arg628fs (NM_001098268.2, NM_001352598.2, NM_001352599.2 and 6 more transcripts); c.1679dup, p.Arg561fs (NM_001330595.2); c.1916dup, p.Arg640fs (NM_001352604.2); short protein forms R561fs, R628fs, R640fs.
Identifiers: ClinVar variation 2720977 (VCV002720977.3), dbSNP rs2501591208, ClinGen allele CA645598278.